The following is an entry in ClinVar:

ClinVar aggregate classification (germline): Uncertain significance (1 of 4 stars; one submission).

Conditions:
Severe combined immunodeficiency due to DNA-PKcs deficiency. Also called: IMMUNODEFICIENCY 26 WITH NEUROLOGIC ABNORMALITIES; Immunodeficiency 26 with or without neurologic abnormalities. Identifiers: Orphanet 317425, MedGen C4014833, MONDO:0014423, OMIM 615966.

Allele frequency attached by ClinVar (database versions not stated): TOPMed 0.00001.

Submission:

Labcorp Genetics (formerly Invitae), Labcorp
Classification: Uncertain significance for Severe combined immunodeficiency due to DNA-PKcs deficiency. Last evaluated: 2023-10-06. Review status: criteria provided, single submitter. Criteria: Invitae Variant Classification Sherloc (09022015). Collection method: clinical testing. Allele origin: germline.
Comment: This sequence change replaces valine, which is neutral and non-polar, with isoleucine, which is neutral and non-polar, at codon 749 of the PRKDC protein (p.Val749Ile). The frequency data for this variant in the population databases is considered unreliable, as metrics indicate poor data quality at this position in the gnomAD database. This variant has not been reported in the literature in individuals affected with PRKDC-related conditions. ClinVar contains an entry for this variant (Variation ID: 579976). Advanced modeling of protein sequence and biophysical properties (such as structural, functional, and spatial information, amino acid conservation, physicochemical variation, residue mobility, and thermodynamic stability) performed at Invitae indicates that this missense variant is not expected to disrupt PRKDC protein function. In summary, the available evidence is currently insufficient to determine the role of this variant in disease. Therefore, it has been classified as a Variant of Uncertain Significance.

NM_006904.7(PRKDC):c.2245G>A (p.Val749Ile)

Gene: PRKDC (protein kinase, DNA-activated, catalytic subunit; minus strand). Cytogenetic location: 8q11.21.
Variant type: single nucleotide variant.
Coding change: c.2245G>A on transcript NM_006904.7 (MANE Select); coding-DNA position 2245, G replaced by A.
Protein change: p.Val749Ile; replaces valine 749 with isoleucine.
Molecular consequence: missense variant.
Genome position (GRCh38, 1-based): chr8:47,927,785, C>T on the plus strand (G>A on the coding strand, the complement: PRKDC is on the minus strand). VCF-style: chr8-47927785-C-T. GRCh37 (hg19) VCF-style: chr8-48840345-C-T.
Other names: c.2245G>A, p.Val749Ile (NM_001081640.2); short protein forms V749I.
Identifiers: ClinVar variation 579976 (VCV000579976.7), dbSNP rs771482106, ClinGen allele CA371162432.